The following is an entry in ClinVar:

ClinVar aggregate classification (germline): Pathogenic/Likely pathogenic. Review status: criteria provided, multiple submitters, no conflicts (2 of 4 stars). 3 submissions from 3 submitters: Pathogenic (2); Likely pathogenic (1). Last evaluated 2026-02-01.

Conditions:
Jeune thoracic dystrophy. Also called: Jeune syndrome; Infantile thoracic dystrophy; Thoracic pelvic phalangeal dystrophy; Jeune's syndrome; Chondroectodermal dysplasia-like syndrome; Short-rib thoracic dysplasia. Identifiers: Orphanet 474, MedGen C0265275, MONDO:0018770.
Asphyxiating thoracic dystrophy 3. Also called: SHORT-RIB THORACIC DYSPLASIA 3/6 WITH POLYDACTYLY, DIGENIC; Saldino-Noonan Syndrome; SHORT-RIB THORACIC DYSPLASIA 3 WITH OR WITHOUT POLYDACTYLY; POLYDACTYLY WITH NEONATAL CHONDRODYSTROPHY, TYPE I; Short rib polydactyly syndrome 2B. Identifiers: Orphanet 474, Orphanet 93269, Orphanet 93270, Orphanet 93271, MedGen C0036069, MONDO:0013127, OMIM 613091.

gnomAD v4.1: 2 of 1,613,132 alleles (0.00012%); highest among the groups gnomAD compares: Admixed American, 0.0033%; no homozygotes.

Submissions (3):

Labcorp Genetics (formerly Invitae), Labcorp
Classification: Pathogenic for Jeune thoracic dystrophy. Last evaluated: 2026-02-01. Review status: criteria provided, single submitter. Criteria: Invitae Variant Classification Sherloc (09022015). Collection method: clinical testing. Allele origin: germline.
Comment: This sequence change creates a premature translational stop signal (p.Ser3378*) in the DYNC2H1 gene. It is expected to result in an absent or disrupted protein product. Loss-of-function variants in DYNC2H1 are known to be pathogenic (PMID: 23339108, 32753734, 33755199). This variant is present in population databases (no rsID available, gnomAD 0.006%). This variant has not been reported in the literature in individuals affected with DYNC2H1-related conditions. ClinVar contains an entry for this variant (Variation ID: 3779597). For these reasons, this variant has been classified as Pathogenic.

Myriad Genetics, Inc.
Classification: Pathogenic for Asphyxiating thoracic dystrophy 3. Last evaluated: 2024-12-05. Review status: criteria provided, single submitter. Criteria: Myriad Autosomal Dominant, Autosomal Recessive and X-Linked Classification Criteria (2023). Collection method: clinical testing. Allele origin: unknown.
Comment: NM_001377.2(DYNC2H1):c.10112C>G(S3371*) is expected to be pathogenic in the context of DYNC2H1-related disorders. This variant is predicted to lead to an abnormal or absent protein product due to the creation of a premature termination codon in DYNC2H1, a gene where loss-of-function variants are known to be pathogenic. Please note: this variant was assessed in the context of healthy population screening.

Department of Pathology and Laboratory Medicine, Sinai Health System
Classification: Likely pathogenic for Asphyxiating thoracic dystrophy 3. Last evaluated: 2023-09-09. Review status: criteria provided, single submitter. Criteria: ACMG Guidelines, 2015. Collection method: research. Allele origin: germline.

Literature cited by the submitters: PubMed 23339108 (cited by Labcorp Genetics (formerly Invitae), Labcorp); PubMed 32753734 (cited by Labcorp Genetics (formerly Invitae), Labcorp); PubMed 33755199 (cited by Labcorp Genetics (formerly Invitae), Labcorp).

NM_001377.3(DYNC2H1):c.10112C>G (p.Ser3371Ter)

Gene: DYNC2H1 (dynein cytoplasmic 2 heavy chain 1; plus strand). Cytogenetic location: 11q22.3.
Variant type: single nucleotide variant.
Coding change: c.10112C>G on transcript NM_001377.3 (MANE Select); coding-DNA position 10112, C replaced by G.
Protein change: p.Ser3371Ter; replaces serine 3371 with a stop codon.
Molecular consequence: nonsense.
Genome position (GRCh38, 1-based): chr11:103,253,354, C>G. VCF-style: chr11-103253354-C-G. GRCh37 (hg19) VCF-style: chr11-103124083-C-G.
Other names: c.10133C>G, p.Ser3378Ter (NM_001080463.2); short protein forms S3371*, S3378*.
Identifiers: ClinVar variation 3779597 (VCV003779597.3).